The following is an entry in ClinVar:

NM_001349253.2(SCN11A):c.2908T>G (p.Ser970Ala)

Gene: SCN11A (sodium voltage-gated channel alpha subunit 11; minus strand). Cytogenetic location: 3p22.2.
Variant type: single nucleotide variant.
Coding change: c.2908T>G on transcript NM_001349253.2 (MANE Select); coding-DNA position 2908, T replaced by G.
Protein change: p.Ser970Ala; replaces serine 970 with alanine.
Molecular consequence: missense variant.
Genome position (GRCh38, 1-based): chr3:38,886,166, A>C on the plus strand (T>G on the coding strand, the complement: SCN11A is on the minus strand). VCF-style: chr3-38886166-A-C. GRCh37 (hg19) VCF-style: chr3-38927657-A-C.
Other names: c.2908T>G, p.Ser970Ala (NM_014139.3); short protein forms S970A.
Identifiers: ClinVar variation 1797535 (VCV001797535.9), dbSNP rs746549697, ClinGen allele CA2321926.
Genomic context (GRCh38, chr3:38,886,166, plus strand): 5'-AACATCCTAGGAAAATTACCTTTCGGGGATCCTGTATGGTCAGATGAGGCTCATCTTCAG[A>C]GAACATGTCAATTTCCACACTTTGAACTCTCTGGCTCGTGGGCTTCTTGTTCTCCTGATG-3'
Protein context (NP_001336182.1, residues 960-980): RVQSVEIDMF[Ser970Ala]EDEPHLTIQD

ClinVar aggregate classification (germline): Uncertain significance. Review status: criteria provided, multiple submitters, no conflicts (2 of 4 stars). 3 submissions from 3 submitters: Uncertain significance (3). Last evaluated 2026-01-26.

Conditions:
SCN11A-related disorder. Also called: SCN11A-related condition.
Inborn genetic diseases. Identifiers: MedGen C0950123, MeSH D030342.
Hereditary sensory and autonomic neuropathy type 7. Also called: Neuropathy, hereditary sensory and autonomic, type VII; HSAN VII. Identifiers: Orphanet 391397, MedGen C3809882, MONDO:0014244, OMIM 615548.
Familial episodic pain syndrome with predominantly lower limb involvement. Also called: Episodic pain syndrome, familial, 3. Identifiers: Orphanet 391384, Orphanet 391392, MedGen C3809899, MONDO:0014247, OMIM 615552.

Allele frequency attached by ClinVar (database versions not stated): gnomAD 0.00001; ExAC 0.00002; TOPMed 0.00002; gnomAD exomes 0.00005.
gnomAD v4.1: 73 of 1,612,892 alleles (0.0045%); highest among the groups gnomAD compares: Non-Finnish European, 0.0061%; no homozygotes.

Submissions (3):

PreventionGenetics, part of Exact Sciences
Classification: Uncertain significance for SCN11A-related condition. Last evaluated: 2026-01-26. Review status: criteria provided, single submitter. Criteria: ACMG Guidelines, 2015. Collection method: clinical testing. Allele origin: germline.
Comment: The SCN11A c.2908T>G variant is predicted to result in the amino acid substitution p.Ser970Ala. To our knowledge, this variant has not been reported in the literature. This variant is reported in 0.0026% of alleles in individuals of European (Non-Finnish) descent in gnomAD. At this time, the clinical significance of this variant is uncertain due to the absence of conclusive functional and genetic evidence.

Labcorp Genetics (formerly Invitae), Labcorp
Classification: Uncertain significance for Familial episodic pain syndrome with predominantly lower limb involvement; Hereditary sensory and autonomic neuropathy type 7. Last evaluated: 2024-06-04. Review status: criteria provided, single submitter. Criteria: Invitae Variant Classification Sherloc (09022015). Collection method: clinical testing. Allele origin: germline.
Comment: This sequence change replaces serine, which is neutral and polar, with alanine, which is neutral and non-polar, at codon 970 of the SCN11A protein (p.Ser970Ala). This variant is present in population databases (rs746549697, gnomAD 0.003%). This variant has not been reported in the literature in individuals affected with SCN11A-related conditions. ClinVar contains an entry for this variant (Variation ID: 1797535). Algorithms developed to predict the effect of missense changes on protein structure and function output the following: SIFT: "Not Available"; PolyPhen-2: "Benign"; Align-GVGD: "Not Available". The alanine amino acid residue is found in multiple mammalian species, which suggests that this missense change does not adversely affect protein function. In summary, the available evidence is currently insufficient to determine the role of this variant in disease. Therefore, it has been classified as a Variant of Uncertain Significance.

Ambry Genetics
Classification: Uncertain significance for Inborn genetic diseases. Last evaluated: 2022-08-08. Review status: criteria provided, single submitter. Criteria: Ambry Variant Classification Scheme 2023. Collection method: clinical testing. Allele origin: germline.
Comment: The p.S970A variant (also known as c.2908T>G), located in coding exon 16 of the SCN11A gene, results from a T to G substitution at nucleotide position 2908. The serine at codon 970 is replaced by alanine, an amino acid with similar properties. This amino acid position is not well conserved in available vertebrate species. In addition, this alteration is predicted to be tolerated by in silico analysis. Since supporting evidence is limited at this time, the clinical significance of this alteration remains unclear.